The following is an entry in ClinVar:

ClinVar aggregate classification (germline): Likely benign. Review status: criteria provided, multiple submitters, no conflicts (2 of 4 stars). 2 submissions from 2 submitters: Likely benign (2). Last evaluated 2025-09-30.

Conditions:
Nemaline myopathy 2 (NEM2). Also called: Nemaline myopathy 2, autosomal recessive. Identifiers: MedGen C1850569, MONDO:0009725, OMIM 256030.

Allele frequency attached by ClinVar (database versions not stated): gnomAD 0.00001; gnomAD exomes 0.00003.
gnomAD v4.1: 47 of 1,611,974 alleles (0.0029%); highest among the groups gnomAD compares: Non-Finnish European, 0.0031%; no homozygotes.

Submissions (2):

Labcorp Genetics (formerly Invitae), Labcorp
Classification: Likely benign for Nemaline myopathy 2. Last evaluated: 2025-09-30. Review status: criteria provided, single submitter. Criteria: Invitae Variant Classification Sherloc (09022015). Collection method: clinical testing. Allele origin: germline.

CeGaT Center for Human Genetics Tuebingen
Classification: Likely benign. Last evaluated: 2024-07-01. Review status: criteria provided, single submitter. Criteria: CeGaT Center For Human Genetics Tuebingen Variant Classification Criteria Version 2. Collection method: clinical testing. Allele origin: germline. Affected: yes. Observed: 1 variant allele.
Comment: NEB: BP4, BP7

NM_001164508.2(NEB):c.24444C>T (p.Pro8148=)

Genes: NEB (nebulin; minus strand), RIF1 (replication timing regulatory factor 1; plus strand). Cytogenetic location: 2q23.3.
Variant type: single nucleotide variant.
Coding change: c.24444C>T on transcript NM_001164508.2 (MANE Select); coding-DNA position 24444, C replaced by T.
Protein change: p.Pro8148=; no amino-acid change (proline 8148 retained).
Molecular consequence: synonymous variant.
Genome position (GRCh38, 1-based): chr2:151,496,318, G>A on the plus strand (C>T on the coding strand, the complement: NEB is on the minus strand). VCF-style: chr2-151496318-G-A. GRCh37 (hg19) VCF-style: chr2-152352832-G-A.
Other names: c.24444C>T, p.Pro8148= (NM_001164507.2); c.24549C>T, p.Pro8183= (NM_001271208.2); c.18876C>T, p.Pro6292= (NM_004543.5).
Identifiers: ClinVar variation 1096282 (VCV001096282.25), dbSNP rs767654655, ClinGen allele CA1906051.